The following is an entry in ClinVar:

ClinVar aggregate classification (germline): Uncertain significance (1 of 4 stars; one submission).

gnomAD v4.1: 4 of 1,536,524 alleles (0.00026%); highest among the groups gnomAD compares: Non-Finnish European, 0.00035%; no homozygotes.

Submission:

Labcorp Genetics (formerly Invitae), Labcorp
Classification: Uncertain significance. Last evaluated: 2024-12-19. Review status: criteria provided, single submitter. Criteria: Invitae Variant Classification Sherloc (09022015). Collection method: clinical testing. Allele origin: germline.
Comment: The FMN1 gene has multiple clinically relevant transcripts. This variant occurs in alternate transcript NM_001277314.1, and corresponds to NM_001103184.3:c.-83460C>T in the primary transcript. This sequence change replaces proline, which is neutral and non-polar, with serine, which is neutral and polar, at codon 635 of the FMN1 protein (p.Pro635Ser). This variant is not present in population databases (gnomAD no frequency). This variant has not been reported in the literature in individuals affected with FMN1-related conditions. Experimental studies and prediction algorithms are not available or were not evaluated, and the functional significance of this variant is currently unknown. In summary, the available evidence is currently insufficient to determine the role of this variant in disease. Therefore, it has been classified as a Variant of Uncertain Significance.

NM_001277313.2(FMN1):c.1867+1704C>T

Gene: FMN1 (formin 1; minus strand). Cytogenetic location: 15q13.3.
Variant type: single nucleotide variant.
Coding change: c.1867+1704C>T on transcript NM_001277313.2 (MANE Select); 1704 bases into the intron after coding-DNA position 1867, C replaced by T.
Molecular consequence: intron variant. On other transcripts: missense variant (1).
Genome position (GRCh38, 1-based): chr15:33,151,344, G>A on the plus strand (C>T on the coding strand, the complement: FMN1 is on the minus strand). VCF-style: chr15-33151344-G-A. GRCh37 (hg19) VCF-style: chr15-33443545-G-A.
Other names: c.1903C>T, p.Pro635Ser (NM_001277314.2); short protein forms P635S.
Identifiers: ClinVar variation 3681390 (VCV003681390.2).